The following is an entry in ClinVar:

ClinVar aggregate classification (germline): Uncertain significance (1 of 4 stars; one submission).

Conditions:
Evans syndrome, immunodeficiency, and premature immunosenescence associated with tripeptidyl-peptidase II deficiency. Identifiers: MedGen CN231723. Disease mechanism: loss of function.

Submission:

Labcorp Genetics (formerly Invitae), Labcorp
Classification: Uncertain significance for Evans syndrome, immunodeficiency, and premature immunosenescence associated with tripeptidyl-peptidase II deficiency. Last evaluated: 2021-11-14. Review status: criteria provided, single submitter. Criteria: Invitae Variant Classification Sherloc (09022015). Collection method: clinical testing. Allele origin: germline.
Comment: This variant is not present in population databases (gnomAD no frequency). This variant has not been reported in the literature in individuals affected with TPP2-related conditions. Algorithms developed to predict the effect of missense changes on protein structure and function are either unavailable or do not agree on the potential impact of this missense change (SIFT: "Deleterious"; PolyPhen-2: "Probably Damaging"; Align-GVGD: "Class C0"). In summary, the available evidence is currently insufficient to determine the role of this variant in disease. Therefore, it has been classified as a Variant of Uncertain Significance. This sequence change replaces lysine, which is basic and polar, with threonine, which is neutral and polar, at codon 168 of the TPP2 protein (p.Lys168Thr).

NM_001330588.2(TPP2):c.503A>C (p.Lys168Thr)

Gene: TPP2 (tripeptidyl peptidase 2; plus strand). Cytogenetic location: 13q33.1.
Variant type: single nucleotide variant.
Coding change: c.503A>C on transcript NM_001330588.2 (MANE Select); coding-DNA position 503, A replaced by C.
Protein change: p.Lys168Thr; replaces lysine 168 with threonine.
Molecular consequence: missense variant. On other transcripts: non-coding transcript variant (1).
Genome position (GRCh38, 1-based): chr13:102,618,729, A>C. VCF-style: chr13-102618729-A-C. GRCh37 (hg19) VCF-style: chr13-103271079-A-C.
Other names: c.503A>C, p.Lys168Thr (NM_001367947.1, NM_003291.4); short protein forms K168T.
Identifiers: ClinVar variation 1351622 (VCV001351622.6), dbSNP rs2139451422, ClinGen allele CA388475054.